The following is an entry in ClinVar:

ClinVar aggregate classification (germline): Benign/Likely benign. Review status: criteria provided, multiple submitters, no conflicts (2 of 4 stars). 4 submissions from 4 submitters: Benign (1); Likely benign (1). 2 of the submissions do not count toward it. Last evaluated 2026-01-22.

Conditions:
FUCA1-related disorder. Also called: FUCA1-related condition.
Fucosidosis. Also called: ALPHA-L-FUCOSIDASE DEFICIENCY. Identifiers: Orphanet 349, MedGen C0016788, MONDO:0009254, OMIM 230000.

Allele frequency attached by ClinVar (database versions not stated): 1000 Genomes Project 30x 0.00016; 1000 Genomes Project 0.00020; TOPMed 0.00020; ESP Exome Variant Server 0.00023; gnomAD 0.00109 and 0.00116; ExAC 0.00125; gnomAD exomes 0.00153.

Submissions (7):

Labcorp Genetics (formerly Invitae), Labcorp
Classification: Benign for Fucosidosis. Last evaluated: 2026-01-22. Review status: criteria provided, single submitter. Criteria: Invitae Variant Classification Sherloc (09022015). Collection method: clinical testing. Allele origin: germline.

Blueprint Genetics
Classification: Likely benign. Last evaluated: 2024-11-21. Review status: criteria provided, single submitter. Criteria: ACMG Guidelines, 2015. Collection method: clinical testing. Allele origin: germline.

PreventionGenetics, part of Exact Sciences
Classification: Benign for FUCA1-related condition. Last evaluated: 2019-12-02. Review status: no assertion criteria provided. Collection method: clinical testing. Allele origin: germline. Not counted in ClinVar's aggregate classification.
Comment: This variant is classified as benign based on ACMG/AMP sequence variant interpretation guidelines (Richards et al. 2015 PMID: 25741868, with internal and published modifications).

Mayo Clinic Laboratories, Mayo Clinic
Classification: Uncertain significance. Last evaluated: 2015-12-16. Review status: no assertion criteria provided. Collection method: clinical testing. Allele origin: unknown. Not counted in ClinVar's aggregate classification.

Dr. Peter K. Rogan Lab, Western University
No classification provided (evidence only). Condition: Melanoma. Review status: no classification provided. Collection method: in vitro. Allele origin: not applicable. Functional consequence: retained intron. Not counted in ClinVar's aggregate classification.

Dr. Peter K. Rogan Lab, Western University
No classification provided (evidence only). Condition: Familial cancer of breast. Review status: no classification provided. Collection method: in vitro. Allele origin: not applicable. Functional consequence: skipped exon. Not counted in ClinVar's aggregate classification.

Dr. Peter K. Rogan Lab, Western University
No classification provided (evidence only). Condition: Uterine carcinosarcoma. Review status: no classification provided. Collection method: in vitro. Allele origin: not applicable. Functional consequence: retained intron. Not counted in ClinVar's aggregate classification.

NM_000147.5(FUCA1):c.1127G>A (p.Arg376Gln)

Gene: FUCA1 (alpha-L-fucosidase 1; minus strand). Cytogenetic location: 1p36.11.
Variant type: single nucleotide variant.
Coding change: c.1127G>A on transcript NM_000147.5 (MANE Select); coding-DNA position 1127, G replaced by A.
Protein change: p.Arg376Gln; replaces arginine 376 with glutamine.
Molecular consequence: missense variant.
Genome position (GRCh38, 1-based): chr1:23,848,682, C>T on the plus strand (G>A on the coding strand, the complement: FUCA1 is on the minus strand). VCF-style: chr1-23848682-C-T. GRCh37 (hg19) VCF-style: chr1-24175172-C-T.
Other names: short protein forms R376Q.
Identifiers: ClinVar variation 558913 (VCV000558913.19), dbSNP rs145603001, ClinGen allele CA686355.